The following is an entry in ClinVar:

ClinVar aggregate classification (germline): Likely pathogenic (1 of 4 stars; one submission).

Submission:

GeneDx
Classification: Likely pathogenic. Last evaluated: 2023-02-01. Review status: criteria provided, single submitter. Criteria: GeneDx Variant Classification Process June 2021. Collection method: clinical testing. Allele origin: germline. Affected: yes.
Comment: Not observed in large population cohorts (gnomAD); In silico analysis supports that this missense variant does not alter protein structure/function; Has not been previously published as pathogenic or benign to our knowledge

NM_003931.3(WASF1):c.1319C>T (p.Ser440Leu)

Gene: WASF1 (WASP family member 1; minus strand). Cytogenetic location: 6q21.
Variant type: single nucleotide variant.
Coding change: c.1319C>T on transcript NM_003931.3 (MANE Select); coding-DNA position 1319, C replaced by T.
Protein change: p.Ser440Leu; replaces serine 440 with leucine.
Molecular consequence: missense variant.
Genome position (GRCh38, 1-based): chr6:110,101,791, G>A on the plus strand (C>T on the coding strand, the complement: WASF1 is on the minus strand). VCF-style: chr6-110101791-G-A. GRCh37 (hg19) VCF-style: chr6-110422994-G-A.
Other names: c.1319C>T, p.Ser440Leu (NM_001024934.2, NM_001024935.2, NM_001024936.2); short protein forms S440L.
Identifiers: ClinVar variation 1314809 (VCV001314809.4), dbSNP rs2114446436, ClinGen allele CA365347874.